The following is an entry in ClinVar:

NM_006164.5(NFE2L2):c.1679T>C (p.Leu560Ser)

Gene: NFE2L2 (NFE2 like bZIP transcription factor 2; minus strand). Cytogenetic location: 2q31.2.
Variant type: single nucleotide variant.
Coding change: c.1679T>C on transcript NM_006164.5 (MANE Select); coding-DNA position 1679, T replaced by C.
Protein change: p.Leu560Ser; replaces leucine 560 with serine.
Molecular consequence: missense variant.
Genome position (GRCh38, 1-based): chr2:177,230,924, A>G on the plus strand (T>C on the coding strand, the complement: NFE2L2 is on the minus strand). VCF-style: chr2-177230924-A-G. GRCh37 (hg19) VCF-style: chr2-178095652-A-G.
Other names: c.1631T>C, p.Leu544Ser (NM_001145412.3, NM_001313900.1, NM_001313901.1); c.1610T>C, p.Leu537Ser (NM_001145413.3); c.1589T>C, p.Leu530Ser (NM_001313902.2); c.1460T>C, p.Leu487Ser (NM_001313903.2); c.1379T>C, p.Leu460Ser (NM_001313904.1); short protein forms L460S, L487S, L530S, L537S, L544S, L560S.
Identifiers: ClinVar variation 3359854 (VCV003359854.1).

ClinVar aggregate classification (germline): Uncertain significance (1 of 4 stars; one submission).

Submission:

GeneDx
Classification: Uncertain significance. Last evaluated: 2023-06-12. Review status: criteria provided, single submitter. Criteria: GeneDx Variant Classification Process June 2021. Collection method: clinical testing. Allele origin: germline. Affected: yes.
Comment: Not observed at significant frequency in large population cohorts (gnomAD); In silico analysis supports that this missense variant has a deleterious effect on protein structure/function; Has not been previously published as pathogenic or benign to our knowledge